The following is an entry in ClinVar:

NM_006059.4(LAMC3):c.3066G>C (p.Glu1022Asp)

Gene: LAMC3 (laminin subunit gamma 3; plus strand). Cytogenetic location: 9q34.12.
Variant type: single nucleotide variant.
Coding change: c.3066G>C on transcript NM_006059.4 (MANE Select); coding-DNA position 3066, G replaced by C.
Protein change: p.Glu1022Asp; replaces glutamic acid 1022 with aspartic acid.
Molecular consequence: missense variant.
Genome position (GRCh38, 1-based): chr9:131,069,847, G>C. VCF-style: chr9-131069847-G-C. GRCh37 (hg19) VCF-style: chr9-133945234-G-C.
Other names: short protein forms E1022D.
Identifiers: ClinVar variation 1896762 (VCV001896762.3), dbSNP rs745626055, ClinGen allele CA375255936.

ClinVar aggregate classification (germline): Uncertain significance (1 of 4 stars; one submission).

gnomAD v4.1: 6 of 1,586,416 alleles (0.00038%); highest among the groups gnomAD compares: Admixed American, 0.0018%; no homozygotes.

Submission:

Labcorp Genetics (formerly Invitae), Labcorp
Classification: Uncertain significance. Last evaluated: 2022-11-23. Review status: criteria provided, single submitter. Criteria: Invitae Variant Classification Sherloc (09022015). Collection method: clinical testing. Allele origin: germline.
Comment: In summary, the available evidence is currently insufficient to determine the role of this variant in disease. Therefore, it has been classified as a Variant of Uncertain Significance. Algorithms developed to predict the effect of missense changes on protein structure and function output the following: SIFT: "Tolerated"; PolyPhen-2: "Benign"; Align-GVGD: "Class C0". The aspartic acid amino acid residue is found in multiple mammalian species, which suggests that this missense change does not adversely affect protein function. This variant has not been reported in the literature in individuals affected with LAMC3-related conditions. The frequency data for this variant in the population databases is considered unreliable, as metrics indicate poor data quality at this position in the gnomAD database. This sequence change replaces glutamic acid, which is acidic and polar, with aspartic acid, which is acidic and polar, at codon 1022 of the LAMC3 protein (p.Glu1022Asp).